The following is an entry in ClinVar:

ClinVar aggregate classification (germline): Uncertain significance (1 of 4 stars; one submission).

Conditions:
Inborn genetic diseases. Identifiers: MedGen C0950123, MeSH D030342.

Submission:

Ambry Genetics
Classification: Uncertain significance for Inborn genetic diseases. Last evaluated: 2021-07-08. Review status: criteria provided, single submitter. Criteria: Ambry Variant Classification Scheme 2023. Collection method: clinical testing. Allele origin: germline.
Comment: The c.3690_3707del18 (p.S1231_R1236del) alteration is located in exon 14 (coding exon 13) of the SETD1A gene. This alteration consists of an in-frame deletion of 18 nucleotides between nucleotide positions c.3690 and c.3707, resulting in the deletion of 6 residues. Based on insufficient or conflicting evidence, the clinical significance of this alteration remains unclear.

NM_014712.3(SETD1A):c.3690_3707del (p.Ser1231_Arg1236del)

Gene: SETD1A (SET domain containing 1A, histone lysine methyltransferase; plus strand). Cytogenetic location: 16p11.2.
Variant type: Deletion.
Coding change: c.3690_3707del on transcript NM_014712.3 (MANE Select); coding-DNA positions 3690 to 3707, 18 bases deleted (GAGCCGGGCTGGAGGCCG).
Protein change: p.Ser1231_Arg1236del.
Molecular consequence: inframe deletion.
Genome position (GRCh38, 1-based): chr16:30,979,476-30,979,493, GAGCCGGGCTGGAGGCCG deleted; deleting any 18 consecutive bases within chr16:30,979,468-30,979,493 gives the same sequence; the c. name uses the placement nearest the transcript's 3' end. VCF-style (leftmost placement, unchanged base first): chr16-30979467-AGGAGGCCGGAGCCGGGCT-A. GRCh37 (hg19) VCF-style: chr16-30990788-AGGAGGCCGGAGCCGGGCT-A.
Identifiers: ClinVar variation 2231785 (VCV002231785.2), dbSNP rs2543902137, ClinGen allele CA2580091495.